The following is an entry in ClinVar:

NM_000051.4(ATM):c.6701T>A (p.Leu2234Gln)

Genes: C11orf65 (chromosome 11 open reading frame 65; minus strand), ATM (ATM serine/threonine kinase; plus strand). Cytogenetic location: 11q22.3.
Variant type: single nucleotide variant.
Coding change: c.6701T>A on transcript NM_000051.4 (MANE Select); coding-DNA position 6701, T replaced by A.
Protein change: p.Leu2234Gln; replaces leucine 2234 with glutamine.
Molecular consequence: missense variant. On other transcripts: intron variant (2).
Genome position (GRCh38, 1-based): chr11:108,325,438, T>A. VCF-style: chr11-108325438-T-A. GRCh37 (hg19) VCF-style: chr11-108196165-T-A.
Other names: c.6701T>A, p.Leu2234Gln (NM_001351834.2); c.641-16367A>T (NM_001330368.2); c.*38+9782A>T (NM_001351110.2); short protein forms L2234Q.
Identifiers: ClinVar variation 453640 (VCV000453640.21), dbSNP rs1158183992, ClinGen allele CA382554940.

ClinVar aggregate classification (germline): Uncertain significance. Review status: criteria provided, multiple submitters, no conflicts (2 of 4 stars). 5 submissions from 5 submitters: Uncertain significance (5). Last evaluated 2026-02-01.

Conditions:
Hereditary cancer-predisposing syndrome. Also called: Neoplastic Syndromes, Hereditary; Hereditary Cancer Syndrome; Tumor predisposition; Hereditary neoplastic syndrome. Identifiers: Orphanet 140162, MedGen C0027672, MeSH D009386, MONDO:0015356.
Familial cancer of breast. Also called: Hereditary breast cancer; BREAST CANCER, FAMILIAL; hereditary breast carcinoma. Identifiers: Orphanet 227535, MedGen C0346153, MONDO:0016419, OMIM 114480. Disease mechanism: loss of function.
Ataxia-telangiectasia syndrome (AT). Also called: LOUIS-BAR SYNDROME; Cerebello-oculocutaneous telangiectasia; Immunodeficiency with ataxia telangiectasia; Ataxia-telangiectasia, complementation group D; AT, COMPLEMENTATION GROUP C; Ataxia-telangiectasia, complementation group E. Identifiers: Orphanet 100, MedGen C0004135, MONDO:0008840, OMIM 208900.

Allele frequency attached by ClinVar (database versions not stated): gnomAD exomes below 0.00001; gnomAD 0.00001.
gnomAD v4.1: 2 of 1,613,598 alleles (0.00012%); highest among the groups gnomAD compares: African/African-American, 0.0027%; no homozygotes.

Submissions (5):

Labcorp Genetics (formerly Invitae), Labcorp
Classification: Uncertain significance for Ataxia-telangiectasia syndrome. Last evaluated: 2026-02-01. Review status: criteria provided, single submitter. Criteria: Invitae Variant Classification Sherloc (09022015). Collection method: clinical testing. Allele origin: germline.
Comment: This sequence change replaces leucine, which is neutral and non-polar, with glutamine, which is neutral and polar, at codon 2234 of the ATM protein (p.Leu2234Gln). This variant is present in population databases (no rsID available, gnomAD 0.007%). This variant has not been reported in the literature in individuals affected with ATM-related conditions. ClinVar contains an entry for this variant (Variation ID: 453640). Invitae Evidence Modeling of protein sequence and biophysical properties (such as structural, functional, and spatial information, amino acid conservation, physicochemical variation, residue mobility, and thermodynamic stability) has been performed for this missense variant. However, the output from this modeling did not meet the statistical confidence thresholds required to predict the impact of this variant on ATM protein function. In summary, the available evidence is currently insufficient to determine the role of this variant in disease. Therefore, it has been classified as a Variant of Uncertain Significance.

Ambry Genetics
Classification: Uncertain significance for Hereditary cancer-predisposing syndrome. Last evaluated: 2025-03-06. Review status: criteria provided, single submitter. Criteria: Ambry Variant Classification Scheme 2023. Collection method: clinical testing. Allele origin: germline.
Comment: The p.L2234Q variant (also known as c.6701T>A), located in coding exon 45 of the ATM gene, results from a T to A substitution at nucleotide position 6701. The leucine at codon 2234 is replaced by glutamine, an amino acid with dissimilar properties. This variant was identified in a cohort of 3,579 African males diagnosed with prostate cancer who underwent multi-gene panel testing of 19 DNA repair and cancer predisposition genes (Matejcic M et al. JCO Precis Oncol, 2020 Jan;4:32-43). This amino acid position is highly conserved in available vertebrate species. In addition, this alteration is predicted to be deleterious by in silico analysis. Based on the available evidence, the clinical significance of this variant remains unclear.

Baylor Genetics
Classification: Uncertain significance for Familial cancer of breast. Last evaluated: 2023-11-08. Review status: criteria provided, single submitter. Criteria: ACMG Guidelines, 2015. Collection method: clinical testing. Allele origin: unknown.

Color Diagnostics, LLC DBA Color Health
Classification: Uncertain significance for Hereditary cancer-predisposing syndrome. Last evaluated: 2021-12-07. Review status: criteria provided, single submitter. Criteria: ACMG Guidelines, 2015. Collection method: clinical testing. Allele origin: germline.
Comment: This missense variant replaces leucine with glutamine at codon 2234 of the ATM protein. Computational prediction suggests that this variant may have deleterious impact on protein structure and function (internally defined REVEL score threshold >= 0.7, PMID: 27666373). To our knowledge, functional studies have not been reported for this variant. This variant has not been reported in individuals affected with hereditary cancer in the literature. This variant has been identified in 1/251094 chromosomes in the general population by the Genome Aggregation Database (gnomAD). The available evidence is insufficient to determine the role of this variant in disease conclusively. Therefore, this variant is classified as a Variant of Uncertain Significance.

GeneDx
Classification: Uncertain significance. Last evaluated: 2020-03-12. Review status: criteria provided, single submitter. Criteria: GeneDx Variant Classification Process June 2021. Collection method: clinical testing. Allele origin: germline. Affected: yes.
Comment: Not observed at a significant frequency in large population cohorts (Lek 2016); In silico analysis supports that this missense variant has a deleterious effect on protein structure/function; Has not been previously published as pathogenic or benign to our knowledge

Literature cited by the submitters: PubMed 32832836 (cited by Ambry Genetics).